The following is an entry in ClinVar:

NM_000275.3(OCA2):c.727C>T (p.Arg243Cys)

Gene: OCA2 (OCA2 melanosomal transmembrane protein; minus strand). Cytogenetic location: 15q13.1.
Variant type: single nucleotide variant.
Coding change: c.727C>T on transcript NM_000275.3 (MANE Select); coding-DNA position 727, C replaced by T.
Protein change: p.Arg243Cys; replaces arginine 243 with cysteine.
Molecular consequence: missense variant.
Genome position (GRCh38, 1-based): chr15:28,018,477, G>A on the plus strand (C>T on the coding strand, the complement: OCA2 is on the minus strand). VCF-style: chr15-28018477-G-A. GRCh37 (hg19) VCF-style: chr15-28263623-G-A.
Other names: c.727C>T, p.Arg243Cys (NM_001300984.2); short protein forms R243C.
Identifiers: ClinVar variation 198411 (VCV000198411.37), dbSNP rs138065338, ClinGen allele CA247053.
Genomic context (GRCh38, chr15:28,018,477, plus strand): 5'-TGGAGCCCAAAGCGTCAGCCTGGGTCAGCTCCACCACGATGTGCTCTTCCCTCCCAGGAC[G>A]ACTCGGCCCACTGGCCACTAGGGCCCCTGCCAGGTCCACCTGCAGCAGCGTGGAGTCCAC-3'
Protein context (NP_000266.2, residues 233-253): AGALVASGPS[Arg243Cys]PGREEHIVVE

ClinVar aggregate classification (germline): Conflicting classifications of pathogenicity. Review status: criteria provided, conflicting classifications (1 of 4 stars). 12 submissions from 12 submitters: Pathogenic (1); Likely pathogenic (2); Uncertain significance (9). Last evaluated 2026-08-03.

Conditions:
OCA2-related disorder. Also called: OCA2-related condition.
Oculocutaneous albinism. Identifiers: Orphanet 55, MedGen C0078918, MONDO:0018910.
Tyrosinase-positive oculocutaneous albinism (OCA2). Also called: Albinism, oculocutaneous, type II; ALBINISM II; Oculocutaneous albinism type 2. Identifiers: Orphanet 79432, MedGen C0268495, MONDO:0008746, OMIM 203200.
SKIN/HAIR/EYE PIGMENTATION 1, BLUE/NONBLUE EYES (SHEP1). Also called: BROWN EYE COLOR 2; EYE COLOR 3; EYE COLOR, BLUE/NONBLUE; EYE COLOR, BROWN/BLUE; HAIR COLOR 3; SKIN/HAIR/EYE PIGMENTATION 1, BLOND/BROWN HAIR. Identifiers: MedGen C1856895, OMIM 227220.

Allele frequency attached by ClinVar (database versions not stated): gnomAD exomes 0.00016 and 0.00027; gnomAD 0.00018 and 0.00024; TOPMed 0.00020; ExAC 0.00025; ESP Exome Variant Server 0.00031; 1000 Genomes Project 30x 0.00078; 1000 Genomes Project 0.00080.

Submissions (12):

PreventionGenetics, part of Exact Sciences
Classification: Uncertain significance for OCA2-related condition. Last evaluated: 2026-08-03. Review status: criteria provided, single submitter. Criteria: ACMG Guidelines, 2015. Collection method: clinical testing. Allele origin: germline.
Comment: The OCA2 c.727C>T variant is predicted to result in the amino acid substitution p.Arg243Cys. This variant has been reported along with a second OCA2 variant in individuals with oculocutaneous albinism (Wei et al. 2010. PubMed ID: 19865097; Ye et al. 2019. PubMed ID: 30835348; Okamura et al. 2020. PubMed ID: 32969595; Table S1, Wei et al. 2021. PubMed ID: 34838614; Zheng et al. 2024. PubMed ID: 38858617). This variant has also been reported in an individual who was heterozygous for a pathogenic frameshift (c.76dupG, p.Val26Glyfs*28) in the PAX2 gene (Xiong H. et al. 2022. PubMed ID: 35444690). This variant is reported in 0.17% of alleles in individuals of East Asian descent in gnomAD, indicating it is relatively common in this population. Although we suspect that this variant may be pathogenic, the clinical significance of this variant is uncertain at this time due to the absence of conclusive functional and genetic evidence.

Labcorp Genetics (formerly Invitae), Labcorp
Classification: Pathogenic. Last evaluated: 2026-01-25. Review status: criteria provided, single submitter. Criteria: Invitae Variant Classification Sherloc (09022015). Collection method: clinical testing. Allele origin: germline.
Comment: This sequence change replaces arginine, which is basic and polar, with cysteine, which is neutral and slightly polar, at codon 243 of the OCA2 protein (p.Arg243Cys). This variant is present in population databases (rs138065338, gnomAD 0.2%). This missense change has been observed in individual(s) with OCA2-related conditions (PMID: 19865097, 30835348, 32969595, 34838614, 38858617). In at least one individual the data is consistent with being in trans (on the opposite chromosome) from a pathogenic variant. ClinVar contains an entry for this variant (Variation ID: 198411). Invitae Evidence Modeling of protein sequence and biophysical properties (such as structural, functional, and spatial information, amino acid conservation, physicochemical variation, residue mobility, and thermodynamic stability) indicates that this missense variant is not expected to disrupt OCA2 protein function with a negative predictive value of 80%. Algorithms developed to predict the effect of sequence changes on RNA splicing suggest that this variant may disrupt the consensus splice site. For these reasons, this variant has been classified as Pathogenic.

Women's Health and Genetics/Laboratory Corporation of America, LabCorp
Classification: Likely pathogenic for Oculocutaneous albinism. Last evaluated: 2025-05-19. Review status: criteria provided, single submitter. Criteria: LabCorp Variant Classification Summary - May 2015. Collection method: clinical testing. Allele origin: germline.
Comment: Variant summary: OCA2 c.727C>T (p.Arg243Cys) results in a non-conservative amino acid change in the encoded protein sequence. Algorithms developed to predict the effect of missense changes on protein structure and function are either unavailable or do not agree on the potential impact of this missense change. The variant allele was found at a frequency of 0.0004 in 358298 control chromosomes, predominantly at a frequency of 0.0016 within the East Asian subpopulation in the gnomAD database. This frequency is not significantly higher than estimated for a pathogenic variant in OCA2 causing Oculocutaneous Albinism (0.0004 vs 0.0043), allowing no conclusion about variant significance. c.727C>T has been observed in the presumed compound heterozygous state in multiple individual(s) affected with clinical features of Oculocutaneous Albinism (Wei_2022, Wei_2010, Okamura_2021, Zheng_2024, Ye_2019). These data indicate that the variant is likely to be associated with disease. To our knowledge, no experimental evidence demonstrating an impact on protein function has been reported. The following publications have been ascertained in the context of this evaluation (PMID: 32969595, 37930845, 19865097, 34838614, 38858617, 30835348). ClinVar contains an entry for this variant (Variation ID: 198411). Based on the evidence outlined above, the variant was classified as likely pathogenic.

Laboratory of Genetic Epidemiology, Research Centre for Medical Genetics
Classification: Likely pathogenic for SKIN/HAIR/EYE PIGMENTATION 1, BLUE/NONBLUE EYES; Tyrosinase-positive oculocutaneous albinism. Last evaluated: 2025-01-01. Review status: criteria provided, single submitter. Criteria: ACMG Guidelines, 2015. Collection method: clinical testing. Allele origin: maternal. Inheritance: Autosomal recessive inheritance. Affected: yes. Observed: 1 compound heterozygote.
Comment: This variant has been previously reported in the literature (PMIDs: 19865097, 38858617) and is listed in gnomAD v3.1.2 with allele frequency 0.0002 in Europe (13/68032), none in homozygous state. The affected amino acid position is evolutionarily conserved, and multiple in silico prediction tools support a deleterious effect. Taken together, the variant meets the following ACMG/AMP criteria and can be classified as likely pathogenic with PM2, PP3, PM3, PP5, PP4 criteria.

Blueprint Genetics
Classification: Uncertain significance. Last evaluated: 2024-11-21. Review status: criteria provided, single submitter. Criteria: ACMG Guidelines, 2015. Collection method: clinical testing. Allele origin: germline.

Baylor Genetics
Classification: Uncertain significance for SKIN/HAIR/EYE PIGMENTATION 1, BLUE/NONBLUE EYES. Last evaluated: 2023-12-19. Review status: criteria provided, single submitter. Criteria: ACMG Guidelines, 2015. Collection method: clinical testing. Allele origin: unknown.

Fulgent Genetics
Classification: Uncertain significance for Tyrosinase-positive oculocutaneous albinism; SKIN/HAIR/EYE PIGMENTATION 1, BLUE/NONBLUE EYES. Last evaluated: 2022-04-18. Review status: criteria provided, single submitter. Criteria: ACMG Guidelines, 2015. Collection method: clinical testing. Allele origin: unknown.

Genome-Nilou Lab
Classification: Uncertain significance for Tyrosinase-positive oculocutaneous albinism. Last evaluated: 2021-11-07. Review status: criteria provided, single submitter. Criteria: ACMG Guidelines, 2015. Collection method: clinical testing. Allele origin: germline. Affected: no.

Illumina Laboratory Services, Illumina
Classification: Uncertain significance for Tyrosinase-positive oculocutaneous albinism. Last evaluated: 2017-04-27. Review status: criteria provided, single submitter. Criteria: ICSL Variant Classification Criteria 13 December 2019. Collection method: clinical testing. Allele origin: germline.

Eurofins Ntd Llc (ga)
Classification: Uncertain significance. Last evaluated: 2014-11-20. Review status: criteria provided, single submitter. Criteria: EGL Classification Definitions 2015. Collection method: clinical testing. Allele origin: germline. Observed: 1 variant allele, 1 heterozygote.

Breakthrough Genomics
Classification: Uncertain significance. Review status: criteria provided, single submitter. Criteria: ACMG Guidelines, 2015. Collection method: not provided. Allele origin: germline. Inheritance: Autosomal recessive inheritance. Affected: yes.

Juno Genomics, Hangzhou Juno Genomics, Inc
Classification: Uncertain significance for Tyrosinase-positive oculocutaneous albinism. Review status: criteria provided, single submitter. Criteria: ACMG Guidelines, 2015. Collection method: clinical testing. Allele origin: germline.
Comment: Observed in a healthy adult individual for a recessive/dominant/X-linked disorder with full penetrance.;For recessive disorders, detected in trans with a pathogenic variant.;Patient's phenotype or family history is highly specific for a disease with a single genetic etiology.

Literature cited by the submitters: PubMed 19865097 (cited by 3 submitters); PubMed 30835348 (cited by Labcorp Genetics (formerly Invitae), Labcorp and Women's Health and Genetics/Laboratory Corporation of America, LabCorp); PubMed 32969595 (cited by Labcorp Genetics (formerly Invitae), Labcorp and Women's Health and Genetics/Laboratory Corporation of America, LabCorp); PubMed 34838614 (cited by Labcorp Genetics (formerly Invitae), Labcorp and Women's Health and Genetics/Laboratory Corporation of America, LabCorp); PubMed 38858617 (cited by 3 submitters); PubMed 37930845 (cited by Women's Health and Genetics/Laboratory Corporation of America, LabCorp); PubMed 41428507 (cited by Laboratory of Genetic Epidemiology, Research Centre for Medical Genetics).